The following is an entry in ClinVar:

NM_003280.3(TNNC1):c.318-26_318-1dup

Gene: TNNC1 (troponin C1, slow skeletal and cardiac type; minus strand). Cytogenetic location: 3p21.1.
Variant type: Duplication.
Coding change: c.318-26_318-1dup on transcript NM_003280.3 (MANE Select); 26 bases into the intron before coding-DNA position 318 through the canonical splice acceptor site of the intron before coding-DNA position 318, 26 bases duplicated (CCCTACCCTGAGCCCCCTCCCCACAG).
Molecular consequence: splice acceptor variant.
Genome position (GRCh38, 1-based): chr3:52,451,528-52,451,553, CTGTGGGGAGGGGGCTCAGGGTAGGG duplicated on the plus strand (CCCTACCCTGAGCCCCCTCCCCACAG on the coding strand, the reverse complement: TNNC1 is on the minus strand); duplicating any 26 consecutive bases within chr3:52,451,528-52,451,565 gives the same sequence; the c. name uses the placement nearest the transcript's 3' end. VCF-style (leftmost placement, unchanged base first): chr3-52451527-T-TCTGTGGGGAGGGGGCTCAGGGTAGGG. GRCh37 (hg19) VCF-style: chr3-52485543-T-TCTGTGGGGAGGGGGCTCAGGGTAGGG.
Identifiers: ClinVar variation 1062060 (VCV001062060.2), dbSNP rs766904943, ClinGen allele CA2438518.
Genomic context (GRCh38, chr3:52,451,527, plus strand): 5'-CTCGCCTGTAGCCTGCAGCATTATCTTCAGCTCATCCAGGTCGATGTAGCCATCAGCATT[T>TCTGTGGGGAGGGGGCTCAGGGTAGGG]CTGTGGGGAGGGGGCTCAGGGTAGGGCTGTGGGGAGGGCATGAGGCAGCCCCACCCATGC-3'

ClinVar aggregate classification (germline): Uncertain significance (1 of 4 stars; one submission).

Conditions:
Dilated cardiomyopathy 1Z (CMD1Z). Identifiers: Orphanet 154, MedGen C2678475, MONDO:0012745, OMIM 611879.
Hypertrophic cardiomyopathy 13. Also called: TNNC1-Related Familial Hypertrophic Cardiomyopathy. Identifiers: MedGen C2750472, MONDO:0013195, OMIM 613243.

Submission:

Labcorp Genetics (formerly Invitae), Labcorp
Classification: Uncertain significance for Hypertrophic cardiomyopathy 13; Dilated cardiomyopathy 1Z. Last evaluated: 2020-09-15. Review status: criteria provided, single submitter. Criteria: Invitae Variant Classification Sherloc (09022015). Collection method: clinical testing. Allele origin: germline.
Comment: In summary, the available evidence is currently insufficient to determine the role of this variant in disease. Therefore, it has been classified as a Variant of Uncertain Significance. This sequence change falls in intron 4 of the TNNC1 gene. It does not directly change the encoded amino acid sequence of the TNNC1 protein. The frequency data for this variant in the population databases is considered unreliable, as metrics indicate poor data quality at this position in the ExAC database. This variant has not been reported in the literature in individuals with TNNC1-related conditions. Algorithms developed to predict the effect of sequence changes on RNA splicing suggest that this variant may create or strengthen a splice site, but this prediction has not been confirmed by published transcriptional studies.